The following is an entry in ClinVar:

ClinVar aggregate classification (germline): Uncertain significance (1 of 4 stars; one submission).

Allele frequency attached by ClinVar (database versions not stated): gnomAD exomes 0.00001; TOPMed 0.00002; gnomAD 0.00003.
gnomAD v4.1: 17 of 1,209,472 alleles (0.0014%); highest among the groups gnomAD compares: Non-Finnish European, 0.0019%; no homozygotes.

Submission:

Labcorp Genetics (formerly Invitae), Labcorp
Classification: Uncertain significance. Last evaluated: 2023-09-27. Review status: criteria provided, single submitter. Criteria: Invitae Variant Classification Sherloc (09022015). Collection method: clinical testing. Allele origin: germline.
Comment: This sequence change replaces valine, which is neutral and non-polar, with leucine, which is neutral and non-polar, at codon 163 of the EBP protein (p.Val163Leu). The frequency data for this variant in the population databases is considered unreliable, as metrics indicate poor data quality at this position in the gnomAD database. This variant has not been reported in the literature in individuals affected with EBP-related conditions. Algorithms developed to predict the effect of missense changes on protein structure and function output the following: SIFT: "Not Available"; PolyPhen-2: "Benign"; Align-GVGD: "Not Available". The leucine amino acid residue is found in multiple mammalian species, which suggests that this missense change does not adversely affect protein function. In summary, the available evidence is currently insufficient to determine the role of this variant in disease. Therefore, it has been classified as a Variant of Uncertain Significance.

NM_006579.3(EBP):c.487G>T (p.Val163Leu)

Gene: EBP (EBP cholestenol delta-isomerase; plus strand). Cytogenetic location: Xp11.23.
Variant type: single nucleotide variant.
Coding change: c.487G>T on transcript NM_006579.3 (MANE Select); coding-DNA position 487, G replaced by T.
Protein change: p.Val163Leu; replaces valine 163 with leucine.
Molecular consequence: missense variant.
Genome position (GRCh38, 1-based): chrX:48,528,251, G>T. VCF-style: chrX-48528251-G-T. GRCh37 (hg19) VCF-style: chrX-48386639-G-T.
Other names: short protein forms V163L.
Identifiers: ClinVar variation 2965651 (VCV002965651.3), dbSNP rs1354655797, ClinGen allele CA412852774.